The following is an entry in ClinVar:

NM_012330.4(KAT6B):c.2651A>G (p.Glu884Gly)

Gene: KAT6B (lysine acetyltransferase 6B; plus strand). Cytogenetic location: 10q22.2.
Variant type: single nucleotide variant.
Coding change: c.2651A>G on transcript NM_012330.4 (MANE Select); coding-DNA position 2651, A replaced by G.
Protein change: p.Glu884Gly; replaces glutamic acid 884 with glycine.
Molecular consequence: missense variant.
Genome position (GRCh38, 1-based): chr10:75,020,603, A>G. VCF-style: chr10-75020603-A-G. GRCh37 (hg19) VCF-style: chr10-76780361-A-G.
Other names: c.2102A>G, p.Glu701Gly (NM_001256468.2, NM_001370138.1); c.1775A>G, p.Glu592Gly (NM_001256469.2, NM_001370139.1, NM_001370140.1 and 2 more transcripts); c.1613A>G, p.Glu538Gly (NM_001370132.1); c.962A>G, p.Glu321Gly (NM_001370133.1); c.566A>G, p.Glu189Gly (NM_001370134.1); c.308A>G, p.Glu103Gly (NM_001370135.1); c.2651A>G, p.Glu884Gly (NM_001370136.1, NM_001370137.1); c.1586A>G, p.Glu529Gly (NM_001370143.1, NM_001370144.1); short protein forms E103G, E189G, E321G, E529G, E538G, E592G, E701G, E884G.
Identifiers: ClinVar variation 1303575 (VCV001303575.2), dbSNP rs2134153203, ClinGen allele CA377280561.
Genomic context (GRCh38, chr10:75,020,603, plus strand): 5'-GCCACAGTGAGGAATGCCCATTTATTTTTTCTGCCCTAGGCTATTTGCTTTCTAGAAGAG[A>G]AGGCCAAGCAGGGTCTCCTGAAAAGCCTCTCTCCGATCTGGGCCGTCTCTCCTACCTGGC-3'
Protein context (NP_036462.2, residues 874-894): IDFSYLLSRR[Glu884Gly]GQAGSPEKPL

ClinVar aggregate classification (germline): Uncertain significance (1 of 4 stars; one submission).

Submission:

GeneDx
Classification: Uncertain significance. Last evaluated: 2019-08-01. Review status: criteria provided, single submitter. Criteria: GeneDx Variant Classification Process June 2021. Collection method: clinical testing. Allele origin: germline. Affected: yes.
Comment: Not observed in large population cohorts (Lek et al., 2016); In silico analysis, which includes protein predictors and evolutionary conservation, supports a deleterious effect; Has not been previously published as pathogenic or benign to our knowledge